The following is an entry in ClinVar:

ClinVar aggregate classification (germline): Uncertain significance (1 of 4 stars; one submission).

Conditions:
Episodic ataxia type 2 (EA2). Also called: ATAXIA, EPISODIC, WITH NYSTAGMUS; ATAXIA, FAMILIAL PAROXYSMAL; CEREBELLAR ATAXIA, PAROXYSMAL, ACETAZOLAMIDE-RESPONSIVE; CEREBELLOPATHY, HEREDITARY PAROXYSMAL; ACETAZOLAMIDE-RESPONSIVE HEREDITARY PAROXYSMAL CEREBELLAR ATAXIA; EPISODIC ATAXIA, NYSTAGMUS-ASSOCIATED. Identifiers: Orphanet 97, MedGen C1720416, MONDO:0007163, OMIM 108500.
Developmental and epileptic encephalopathy, 42 (DEE42A). Also called: Epileptic encephalopathy, early infantile, 42; DEVELOPMENTAL AND EPILEPTIC ENCEPHALOPATHY 42A; EPILEPTIC ENCEPHALOPATHY, EARLY INFANTILE, 42A. Identifiers: MedGen C4310716, MONDO:0014917, OMIM 617106.

Submission:

Labcorp Genetics (formerly Invitae), Labcorp
Classification: Uncertain significance for Developmental and epileptic encephalopathy, 42; Episodic ataxia type 2. Last evaluated: 2021-12-19. Review status: criteria provided, single submitter. Criteria: Invitae Variant Classification Sherloc (09022015). Collection method: clinical testing. Allele origin: germline.
Comment: This variant has not been reported in the literature in individuals affected with CACNA1A-related conditions. This variant is not present in population databases (gnomAD no frequency). This sequence change replaces valine, which is neutral and non-polar, with leucine, which is neutral and non-polar, at codon 1564 of the CACNA1A protein (p.Val1564Leu). Advanced modeling of protein sequence and biophysical properties (such as structural, functional, and spatial information, amino acid conservation, physicochemical variation, residue mobility, and thermodynamic stability) performed at Invitae indicates that this missense variant is expected to disrupt CACNA1A protein function. In summary, the available evidence is currently insufficient to determine the role of this variant in disease. Therefore, it has been classified as a Variant of Uncertain Significance.

NM_001127222.2(CACNA1A):c.4687G>T (p.Val1563Leu)

Gene: CACNA1A (calcium voltage-gated channel subunit alpha1 A; minus strand). Cytogenetic location: 19p13.13.
Variant type: single nucleotide variant.
Coding change: c.4687G>T on transcript NM_001127222.2 (MANE Select); coding-DNA position 4687, G replaced by T.
Protein change: p.Val1563Leu; replaces valine 1563 with leucine.
Molecular consequence: missense variant.
Genome position (GRCh38, 1-based): chr19:13,255,163, C>A on the plus strand (G>T on the coding strand, the complement: CACNA1A is on the minus strand). VCF-style: chr19-13255163-C-A. GRCh37 (hg19) VCF-style: chr19-13365977-C-A.
Other names: c.4699G>T, p.Val1567Leu (NM_000068.4, NM_023035.3); c.4690G>T, p.Val1564Leu (NM_001127221.2, NM_001174080.2); short protein forms V1563L, V1567L, V1564L.
Identifiers: ClinVar variation 2047707 (VCV002047707.4), dbSNP rs2512728541, ClinGen allele CA404338466.
Genomic context (GRCh38, chr19:13,255,163, plus strand): 5'-TAAGCACGATGGTGTTGAGGGCGATCATGGCCATGATCGTGTACTCGAAAGGCGGAGACA[C>A]CACGAACTGCCACATGCGGTACTGGAAGCTCTGCTTGTTCTGCGGCATGTGTCGGGTCAG-3'
Protein context (NP_001120694.1, residues 1553-1573): SFQYRMWQFV[Val1563Leu]SPPFEYTIMA